The following is an entry in ClinVar:

ClinVar aggregate classification (germline): Benign (1 of 4 stars; one submission).

Allele frequency attached by ClinVar (database versions not stated): gnomAD exomes 0.16283; ESP Exome Variant Server 0.17361; gnomAD 0.17737 and 0.18144; TOPMed 0.17941; 1000 Genomes Project 30x 0.23595; 1000 Genomes Project 0.24042.

Submission:

GeneDx
Classification: Benign. Last evaluated: 2018-06-14. Review status: criteria provided, single submitter. Criteria: GeneDx Variant Classification (06012015). Collection method: clinical testing. Allele origin: germline. Affected: yes.
Comment: This variant is considered likely benign or benign based on one or more of the following criteria: it is a conservative change, it occurs at a poorly conserved position in the protein, it is predicted to be benign by multiple in silico algorithms, and/or has population frequency not consistent with disease.

NM_032119.4(ADGRV1):c.2016+53del

Gene: ADGRV1 (adhesion G protein-coupled receptor V1; plus strand). Cytogenetic location: 5q14.3.
Variant type: Deletion.
Coding change: c.2016+53del on transcript NM_032119.4 (MANE Select); 53 bases into the intron after coding-DNA position 2016, one base deleted (A; older notation c.2016+53delA).
Molecular consequence: intron variant.
Genome position (GRCh38, 1-based): chr5:90,635,343, A deleted. VCF-style (leftmost placement, unchanged base first): chr5-90635342-CA-C. GRCh37 (hg19) VCF-style: chr5-89931159-CA-C.
Identifiers: ClinVar variation 670349 (VCV000670349.1), dbSNP rs3838659, ClinGen allele CA121829943.
Genomic context (GRCh38, chr5:90,635,342, plus strand): 5'-GCTGAAGTGGTAAGTAGGCTCTTTCTTACTGATGGGGGCTAATGAGTATGAAGTAATGTA[CA>C]GACACTATTTTTAAAATAAGATCAGCATATAGGGTTAACATCTTAAAAAGCTTCAGCATG-3'